The following is an entry in ClinVar:

NM_181335.3(ARHGAP8):c.1111G>C (p.Glu371Gln)

Genes: ARHGAP8 (Rho GTPase activating protein 8; plus strand), PRR5-ARHGAP8 (PRR5-ARHGAP8 readthrough; plus strand). Cytogenetic location: 22q13.31.
Variant type: single nucleotide variant.
Coding change: c.1111G>C on transcript NM_181335.3 (MANE Select); coding-DNA position 1111, G replaced by C.
Protein change: p.Glu371Gln; replaces glutamic acid 371 with glutamine.
Molecular consequence: missense variant. On other transcripts: 3 prime UTR variant (1).
Genome position (GRCh38, 1-based): chr22:44,862,404, G>C. VCF-style: chr22-44862404-G-C. GRCh37 (hg19) VCF-style: chr22-45258284-G-C.
Other names: c.*89G>C (NM_001198726.2); c.1504G>C, p.Glu502Gln (NM_181334.6); c.1204G>C, p.Glu402Gln (NM_001017526.2); short protein forms E371Q, E402Q, E502Q.
Identifiers: ClinVar variation 3904824 (VCV003904824.10).
Genomic context (GRCh38, chr22:44,862,404, plus strand): 5'-ATCTGGCCATCCCAGGGGGTCTCCTCCCTGAGTGCCCTTGTGCCCCTGAACATGTTCACT[G>C]AACTGCTGATCGAGTACTATGAAAAGATCTTCAGCACCCCGGAGGCACCTGGGGAGCACG-3'
Protein context (NP_851852.2, residues 361-381): SALVPLNMFT[Glu371Gln]LLIEYYEKIF

ClinVar aggregate classification (germline): Likely benign (1 of 4 stars; one submission).

gnomAD v4.1: 5,330 of 1,614,170 alleles (0.33%); highest among the groups gnomAD compares: South Asian, 0.9%; 23 homozygotes.

Submission:

CeGaT Center for Human Genetics Tuebingen
Classification: Likely benign. Last evaluated: 2025-04-01. Review status: criteria provided, single submitter. Criteria: CeGaT Center For Human Genetics Tuebingen Variant Classification Criteria Version 2. Collection method: clinical testing. Allele origin: germline. Affected: yes. Observed: 1 variant allele.
Comment: ARHGAP8: BS2; PRR5-ARHGAP8: BS2